The following is an entry in ClinVar:

ClinVar aggregate classification (germline): Pathogenic (1 of 4 stars; one submission).

Conditions:
Abetalipoproteinaemia (ABL). Also called: MTP DEFICIENCY; Abetalipoproteinemia; Abetalipoproteinemia neuropathy; Apolipoprotein B deficiency; Congenital betalipoprotein deficiency syndrome. Identifiers: Orphanet 14, MedGen C0000744, MONDO:0008692, OMIM 200100, HP:0008181.

Submission:

Myriad Genetics, Inc.
Classification: Pathogenic for Abetalipoproteinaemia. Last evaluated: 2024-04-21. Review status: criteria provided, single submitter. Criteria: Myriad Autosomal Dominant, Autosomal Recessive and X-Linked Classification Criteria (2023). Collection method: clinical testing. Allele origin: unknown.
Comment: NM_000253.2(MTTP):c.145G>T(G49*) is expected to be pathogenic in the context of abetalipoproteinemia. This variant is predicted to lead to an abnormal or absent protein product due to the creation of a premature termination codon in MTTP, a gene where loss-of-function variants are known to be pathogenic. Please note: this variant was assessed in the context of healthy population screening.

NM_001386140.1(MTTP):c.145G>T (p.Gly49Ter)

Gene: MTTP (microsomal triglyceride transfer protein; plus strand). Cytogenetic location: 4q23.
Variant type: single nucleotide variant.
Coding change: c.145G>T on transcript NM_001386140.1 (MANE Select); coding-DNA position 145, G replaced by T.
Protein change: p.Gly49Ter; replaces glycine 49 with a stop codon.
Molecular consequence: nonsense. On other transcripts: 5 prime UTR variant (1).
Genome position (GRCh38, 1-based): chr4:99,581,988, G>T. VCF-style: chr4-99581988-G-T. GRCh37 (hg19) VCF-style: chr4-100503145-G-T.
Other names: c.145G>T, p.Gly49Ter (NM_000253.4); c.-105G>T (NM_001300785.2); short protein forms G49*.
Identifiers: ClinVar variation 5012937 (VCV005012937.1).